The following is an entry in ClinVar:

ClinVar aggregate classification (germline): Likely benign (0 of 4 stars; one submission).

Conditions:
HMCN1-related disorder. Also called: HMCN1-related condition.

Allele frequency attached by ClinVar (database versions not stated): gnomAD 0.00001; gnomAD exomes 0.00001; TOPMed 0.00001.
gnomAD v4.1: 13 of 1,613,964 alleles (0.00081%); highest among the groups gnomAD compares: Non-Finnish European, 0.0011%; no homozygotes.

Submission:

PreventionGenetics, part of Exact Sciences
Classification: Likely benign for HMCN1-related condition. Last evaluated: 2020-04-15. Review status: no assertion criteria provided. Collection method: clinical testing. Allele origin: germline.
Comment: This variant is classified as likely benign based on ACMG/AMP sequence variant interpretation guidelines (Richards et al. 2015 PMID: 25741868, with internal and published modifications).

NM_031935.3(HMCN1):c.15574+10T>A

Gene: HMCN1 (hemicentin 1; plus strand). Cytogenetic location: 1q31.1.
Variant type: single nucleotide variant.
Coding change: c.15574+10T>A on transcript NM_031935.3 (MANE Select); 10 bases into the intron after coding-DNA position 15574, T replaced by A.
Molecular consequence: intron variant.
Genome position (GRCh38, 1-based): chr1:186,166,952, T>A. VCF-style: chr1-186166952-T-A. GRCh37 (hg19) VCF-style: chr1-186136084-T-A.
Identifiers: ClinVar variation 3054157 (VCV003054157.2), dbSNP rs1295505297, ClinGen allele CA527683359.